The following is an entry in ClinVar:

ClinVar aggregate classification (germline): Conflicting classifications of pathogenicity. Review status: criteria provided, conflicting classifications (1 of 4 stars). 2 submissions from 2 submitters: Uncertain significance (1); Likely benign (1). Last evaluated 2026-08-01.

Conditions:
Hajdu-Cheney syndrome (HJCYS). Also called: ACROOSTEOLYSIS WITH OSTEOPOROSIS AND CHANGES IN SKULL AND MANDIBLE; SERPENTINE FIBULA-POLYCYSTIC KIDNEY SYNDROME; Acroosteolysis dominant type. Identifiers: Orphanet 955, MedGen C0917715, MONDO:0007057, OMIM 102500.

Allele frequency attached by ClinVar (database versions not stated): gnomAD exomes below 0.00001 and 0.00001; TOPMed below 0.00001.
gnomAD v4.1: 2 of 1,613,658 alleles (0.00012%); highest among the groups gnomAD compares: Admixed American, 0.0033%; no homozygotes.

Submissions (2):

CeGaT Center for Human Genetics Tuebingen
Classification: Uncertain significance. Last evaluated: 2026-08-01. Review status: criteria provided, single submitter. Criteria: CeGaT Center For Human Genetics Tuebingen Variant Classification Criteria Version 2. Collection method: clinical testing. Allele origin: germline. Affected: yes. Observed: 1 variant allele.
Comment: NOTCH2: PM2:Supporting, BP4

Labcorp Genetics (formerly Invitae), Labcorp
Classification: Likely benign for Hajdu-Cheney syndrome. Last evaluated: 2022-09-01. Review status: criteria provided, single submitter. Criteria: Invitae Variant Classification Sherloc (09022015). Collection method: clinical testing. Allele origin: germline.

NM_024408.4(NOTCH2):c.855C>T (p.Arg285=)

Gene: NOTCH2 (notch receptor 2; minus strand). Cytogenetic location: 1p12.
Variant type: single nucleotide variant.
Coding change: c.855C>T on transcript NM_024408.4 (MANE Select); coding-DNA position 855, C replaced by T.
Protein change: p.Arg285=; no amino-acid change (arginine 285 retained).
Molecular consequence: synonymous variant.
Genome position (GRCh38, 1-based): chr1:119,986,979, G>A on the plus strand (C>T on the coding strand, the complement: NOTCH2 is on the minus strand). VCF-style: chr1-119986979-G-A. GRCh37 (hg19) VCF-style: chr1-120529602-G-A.
Other names: c.855C>T, p.Arg285= (NM_001200001.2).
Identifiers: ClinVar variation 1669610 (VCV001669610.9), dbSNP rs1553202291, ClinGen allele CA420040681.